The following is an entry in ClinVar:

NM_002317.7(LOX):c.53_66del (p.Leu18fs)

Genes: LOX (lysyl oxidase; minus strand), SRFBP1 (serum response factor binding protein 1; plus strand). Cytogenetic location: 5q23.1.
Variant type: Deletion.
Coding change: c.53_66del on transcript NM_002317.7 (MANE Select); coding-DNA positions 53 to 66, 14 bases deleted (TAGTGCACTGCGCC).
Protein change: p.Leu18fs; shifts the reading frame from leucine 18.
Molecular consequence: frameshift variant.
Genome position (GRCh38, 1-based): chr5:122,077,920-122,077,933, GGCGCAGTGCACTA deleted on the plus strand (TAGTGCACTGCGCC on the coding strand, the reverse complement: LOX is on the minus strand); deleting any 14 consecutive bases within chr5:122,077,920-122,077,934 gives the same sequence; the c. name uses the placement nearest the transcript's 3' end. VCF-style (leftmost placement, unchanged base first): chr5-122077919-GGGCGCAGTGCACTA-G. GRCh37 (hg19) VCF-style: chr5-121413614-GGGCGCAGTGCACTA-G.
Other names: c.53_66delTAGTGCACTGCGCC (NM_002317.7); short protein forms L18fs.
Identifiers: ClinVar variation 1098840 (VCV001098840.3), dbSNP rs2152591749, ClinGen allele CA2573052403.

ClinVar aggregate classification (germline): Pathogenic. Review status: criteria provided, single submitter (1 of 4 stars). 2 submissions from 1 submitter: Pathogenic (2). Last evaluated 2024-09-06.

Conditions:
Familial thoracic aortic aneurysm and aortic dissection (TAAD). Also called: Thoracic aortic aneurysms and dissections. Identifiers: Orphanet 91387, MedGen C4707243, MONDO:0019625.
Aortic aneurysm, familial thoracic 10 (AAT10). Identifiers: MedGen C4284414, MONDO:0014950, OMIM 617168.

Submissions (2):

Centre of Medical Genetics, University of Antwerp
Classification: Pathogenic for Familial thoracic aortic aneurysm and aortic dissection. Last evaluated: 2024-09-06. Review status: criteria provided, single submitter. Criteria: ACMG Guidelines, 2015. Collection method: clinical testing. Allele origin: germline. Affected: yes.
Comment: P(PVS1; PM2; PP5)

Centre of Medical Genetics, University of Antwerp
Classification: Pathogenic for Aortic aneurysm, familial thoracic 10. Last evaluated: 2021-02-19. Review status: criteria provided, single submitter. Criteria: ACMG Guidelines, 2015. Collection method: research. Allele origin: paternal. Affected: yes.
Comment: PVS1, PM2, PS3, PP4

Literature cited by the submitters: PubMed 34281165.